The following is an entry in ClinVar:

ClinVar aggregate classification (germline): Benign/Likely benign. Review status: criteria provided, multiple submitters, no conflicts (2 of 4 stars). 3 submissions from 3 submitters: Benign (2); Likely benign (1). Last evaluated 2026-04-01.

Allele frequency attached by ClinVar (database versions not stated): gnomAD exomes 0.00034 and 0.00075; ExAC 0.00095; 1000 Genomes Project 0.00240; 1000 Genomes Project 30x 0.00265; ESP Exome Variant Server 0.00308; gnomAD 0.00328 and 0.00355; TOPMed 0.00349.
gnomAD v4.1: 1,023 of 1,605,376 alleles (0.064%); highest among the groups gnomAD compares: African/African-American, 1.1%; 5 homozygotes.

Submissions (3):

Women's Health and Genetics/Laboratory Corporation of America, LabCorp
Classification: Benign. Last evaluated: 2026-04-01. Review status: criteria provided, single submitter. Criteria: LabCorp Variant Classification Summary - May 2015. Collection method: clinical testing. Allele origin: germline.
Comment: Variant summary: CD81 c.67-13C>T alters a non-conserved nucleotide located at a position not widely known to affect splicing. Consensus agreement among computation tools predict no significant impact on normal splicing. However, these predictions have yet to be confirmed by functional studies. The variant allele was found at a frequency of 0.00075 in 249778 control chromosomes, predominantly at a frequency of 0.0098 within the African or African-American subpopulation in the gnomAD database, including 1 homozygote. The observed variant frequency within African or African-American control individuals in the gnomAD database exceeds the estimated maximal expected allele frequency for disease-causing variants in CD81. To our knowledge, no occurrence of c.67-13C>T in individuals affected with CD81-related conditions and no experimental evidence demonstrating its impact on protein function have been reported. ClinVar contains an entry for this variant (Variation ID: 1652068). Based on the evidence outlined above, the variant was classified as benign.

Labcorp Genetics (formerly Invitae), Labcorp
Classification: Benign. Last evaluated: 2026-01-26. Review status: criteria provided, single submitter. Criteria: Invitae Variant Classification Sherloc (09022015). Collection method: clinical testing. Allele origin: germline.

Blueprint Genetics
Classification: Likely benign. Last evaluated: 2024-09-10. Review status: criteria provided, single submitter. Criteria: ACMG Guidelines, 2015. Collection method: clinical testing. Allele origin: germline.

NM_004356.4(CD81):c.67-13C>T

Gene: CD81 (CD81 molecule; plus strand). Cytogenetic location: 11p15.5.
Variant type: single nucleotide variant.
Coding change: c.67-13C>T on transcript NM_004356.4 (MANE Select); 13 bases into the intron before coding-DNA position 67, C replaced by T.
Molecular consequence: intron variant.
Genome position (GRCh38, 1-based): chr11:2,390,399, C>T. VCF-style: chr11-2390399-C-T. GRCh37 (hg19) VCF-style: chr11-2411629-C-T.
Other names: c.-147-13C>T (NM_001297649.2).
Identifiers: ClinVar variation 1652068 (VCV001652068.10), dbSNP rs188634335, ClinGen allele CA5819828.